The following is an entry in ClinVar:

ClinVar aggregate classification (germline): Likely pathogenic. Review status: criteria provided, multiple submitters, no conflicts (2 of 4 stars). 4 submissions from 4 submitters: Likely pathogenic (4). Last evaluated 2026-09-08.

Conditions:
Fabry disease. Also called: ALPHA-GALACTOSIDASE A DEFICIENCY; ANDERSON-FABRY DISEASE; CERAMIDE TRIHEXOSIDASE DEFICIENCY; GLA DEFICIENCY; HEREDITARY DYSTOPIC LIPIDOSIS; Fabry's disease. Identifiers: Orphanet 324, MedGen C0002986, MONDO:0010526, OMIM 301500, HP:0001071. Disease mechanism: Fabry disease is due to inactivating mutations in the X-linked GLA gene resulting in deficiency of the enzyme Alpha Galactosidase-A., loss of function.

Allele frequency attached by ClinVar (database versions not stated): gnomAD exomes below 0.00001.
gnomAD v4.1: 2 of 1,205,842 alleles (0.00017%); highest among the groups gnomAD compares: Non-Finnish European, 0.00022%; no homozygotes.

Submissions (4):

Genomenon, Inc
Classification: Likely pathogenic for Fabry disease. Last evaluated: 2026-09-08. Review status: criteria provided, single submitter. Criteria: Genomenon Sequence Variant Interpretation Standards - Updated. Collection method: curation. Allele origin: germline. Affected: yes.
Comment: GLA p.Glu66Gly (c.197A>G) is a missense variant that changes the amino acid at codon 66 from Glutamic acid to Glycine. This variant has been observed in at least one proband with clinical features consistent with Fabry disease (PMID:16773563). Functional or patient cell studies have been reported (PMID:24386359;31036492;16773563;32802993;27657681). The presence of pathogenic/likely pathogenic missense variant(s) at the same amino acid position indicates that this residue is likely important for protein function. It is absent or not present at a significant frequency in gnomAD. In silico models predict that this variant is possibly or probably damaging. In conclusion, we classify GLA p.Glu66Gly (c.197A>G) as a likely pathogenic variant.

Labcorp Genetics (formerly Invitae), Labcorp
Classification: Likely pathogenic for Fabry disease. Last evaluated: 2025-03-25. Review status: criteria provided, single submitter. Criteria: Invitae Variant Classification Sherloc (09022015). Collection method: clinical testing. Allele origin: germline.
Comment: This sequence change replaces glutamic acid, which is acidic and polar, with glycine, which is neutral and non-polar, at codon 66 of the GLA protein (p.Glu66Gly). This variant is not present in population databases (gnomAD no frequency). This missense change has been observed in individual(s) with Fabry disease (PMID: 16773563). ClinVar contains an entry for this variant (Variation ID: 2689132). An algorithm developed to predict the effect of missense changes on protein structure and function (PolyPhen-2) suggests that this variant is likely to be disruptive. Experimental studies have shown that this missense change affects GLA function (PMID: 16773563, 31036492). This variant disrupts the p.Glu66 amino acid residue in GLA. Other variant(s) that disrupt this residue have been determined to be pathogenic (PMID: 15861341, 23935525). This suggests that this residue is clinically significant, and that variants that disrupt this residue are likely to be disease-causing. In summary, the currently available evidence indicates that the variant is pathogenic, but additional data are needed to prove that conclusively. Therefore, this variant has been classified as Likely Pathogenic.

Revvity Omics, Revvity
Classification: Likely pathogenic. Last evaluated: 2024-05-28. Review status: criteria provided, single submitter. Criteria: ACMG Guidelines, 2015. Collection method: clinical testing. Allele origin: germline.

Women's Health and Genetics/Laboratory Corporation of America, LabCorp
Classification: Likely pathogenic for Fabry disease. Last evaluated: 2024-05-09. Review status: criteria provided, single submitter. Criteria: LabCorp Variant Classification Summary - May 2015. Collection method: clinical testing. Allele origin: germline.
Comment: Variant summary: GLA c.197A>G (p.Glu66Gly) results in a non-conservative amino acid change in the encoded protein sequence. Five of five in-silico tools predict a damaging effect of the variant on protein function. Consensus agreement among computation tools predict no significant impact on normal splicing. However, these predictions have yet to be confirmed by functional studies. The variant was absent in 182566 control chromosomes. c.197A>G has been reported in the literature in individuals affected with Fabry Disease (e.g. Spada_2006, Sanders_2020). These data indicate that the variant is likely to be be associated with disease. In vitro studies in COS-7 and HEK cells showed that this variant results in 29-39% activity compared to wild-type (e.g. Spada_2006, .Oommen_2019). The following publications have been ascertained in the context of this evaluation (PMID: 31036492, 32802993, 16773563). ClinVar contains an entry for this variant (Variation ID: 2689132). Based on the evidence outlined above, the variant was classified as likely pathogenic.

Literature cited by the submitters: PubMed 16773563 (cited by 3 submitters); PubMed 24386359 (cited by Genomenon, Inc); PubMed 31036492 (cited by 3 submitters); PubMed 32802993 (cited by Genomenon, Inc and Women's Health and Genetics/Laboratory Corporation of America, LabCorp); PubMed 27657681 (cited by Genomenon, Inc); PubMed 15861341 (cited by Labcorp Genetics (formerly Invitae), Labcorp); PubMed 23935525 (cited by Labcorp Genetics (formerly Invitae), Labcorp).

NM_000169.3(GLA):c.197A>G (p.Glu66Gly)

Genes: GLA (galactosidase alpha; minus strand), RPL36A-HNRNPH2 (RPL36A-HNRNPH2 readthrough; plus strand). Cytogenetic location: Xq22.1.
Variant type: single nucleotide variant.
Coding change: c.197A>G on transcript NM_000169.3 (MANE Select); coding-DNA position 197, A replaced by G.
Protein change: p.Glu66Gly; replaces glutamic acid 66 with glycine.
Molecular consequence: missense variant. On other transcripts: non-coding transcript variant (3), intron variant (2).
Genome position (GRCh38, 1-based): chrX:101,403,983, T>C on the plus strand (A>G on the coding strand, the complement: GLA is on the minus strand). VCF-style: chrX-101403983-T-C. GRCh37 (hg19) VCF-style: chrX-100658971-T-C.
Other names: c.320A>G, p.Glu107Gly (NM_001406747.1, NM_001406749.1); c.197A>G, p.Glu66Gly (NM_001406748.1); c.301-7953T>C (NM_001199973.2); c.178-7953T>C (NM_001199974.2); short protein forms E66G, E107G.
Identifiers: ClinVar variation 2689132 (VCV002689132.8), dbSNP rs869312264, ClinGen allele CA352977.